The following is an entry in ClinVar:

ClinVar aggregate classification (germline): Conflicting classifications of pathogenicity. Review status: criteria provided, conflicting classifications (1 of 4 stars). 5 submissions from 5 submitters: Uncertain significance (3); Likely benign (2). Last evaluated 2026-01-24.

Conditions:
Inborn genetic diseases. Identifiers: MedGen C0950123, MeSH D030342.
COL9A2-related disorder. Also called: COL9A2-related condition.

gnomAD v4.1: 159 of 1,613,866 alleles (0.0099%); highest among the groups gnomAD compares: Non-Finnish European, 0.013%; no homozygotes.

Submissions (5):

Labcorp Genetics (formerly Invitae), Labcorp
Classification: Likely benign. Last evaluated: 2026-01-24. Review status: criteria provided, single submitter. Criteria: Invitae Variant Classification Sherloc (09022015). Collection method: clinical testing. Allele origin: germline.

PreventionGenetics, part of Exact Sciences
Classification: Uncertain significance for COL9A2-related condition. Last evaluated: 2025-06-20. Review status: criteria provided, single submitter. Criteria: ACMG Guidelines, 2015. Collection method: clinical testing. Allele origin: germline.
Comment: The COL9A2 c.747T>G variant is predicted to result in the amino acid substitution p.His249Gln. To our knowledge, this variant has not been reported in the literature. This variant is reported in 0.0077% of alleles in individuals of European (Non-Finnish) descent in gnomAD. At this time, the clinical significance of this variant is uncertain due to the absence of conclusive functional and genetic evidence.

Ambry Genetics
Classification: Uncertain significance for Inborn genetic diseases. Last evaluated: 2025-04-15. Review status: criteria provided, single submitter. Criteria: Ambry Variant Classification Scheme 2023. Collection method: clinical testing. Allele origin: germline.

Blueprint Genetics
Classification: Likely benign. Last evaluated: 2024-10-31. Review status: criteria provided, single submitter. Criteria: ACMG Guidelines, 2015. Collection method: clinical testing. Allele origin: germline.

GeneDx
Classification: Uncertain significance. Last evaluated: 2022-11-04. Review status: criteria provided, single submitter. Criteria: GeneDx Variant Classification Process June 2021. Collection method: clinical testing. Allele origin: germline. Affected: yes.
Comment: In silico analysis supports that this missense variant does not alter protein structure/function; Has not been previously published as pathogenic or benign to our knowledge

NM_001852.4(COL9A2):c.747T>G (p.His249Gln)

Gene: COL9A2 (collagen type IX alpha 2 chain; minus strand). Cytogenetic location: 1p34.2.
Variant type: single nucleotide variant.
Coding change: c.747T>G on transcript NM_001852.4 (MANE Select); coding-DNA position 747, T replaced by G.
Protein change: p.His249Gln; replaces histidine 249 with glutamine.
Molecular consequence: missense variant.
Genome position (GRCh38, 1-based): chr1:40,310,156, A>C on the plus strand (T>G on the coding strand, the complement: COL9A2 is on the minus strand). VCF-style: chr1-40310156-A-C. GRCh37 (hg19) VCF-style: chr1-40775828-A-C.
Other names: short protein forms H249Q.
Identifiers: ClinVar variation 1118299 (VCV001118299.13), dbSNP rs747499674, ClinGen allele CA791763.
Genomic context (GRCh38, chr1:40,310,156, plus strand): 5'-CAAAAAGAGGCTTACCGGTGGCCCAGTGGCACCGATAGCGCCCACCATGCCTTTATATCC[A>C]TGAGGGCCCTGGGGAGAGGAAAGGGTTGCAGGTCAGTCCTGGCTGAACTCCAGGGGCCAG-3'
Protein context (NP_001843.1, residues 239-259): MAGPKGETGP[His249Gln]GYKGMVGAIG